The following is an entry in ClinVar:

ClinVar aggregate classification (germline): Uncertain significance (1 of 4 stars; one submission).

Conditions:
Dyskeratosis congenita, autosomal recessive 6 (DKCB6). Identifiers: MedGen C4225356, MONDO:0014600, OMIM 616353.
Pulmonary fibrosis and/or bone marrow failure, Telomere-related, 4. Also called: PULMONARY FIBROSIS AND/OR BONE MARROW FAILURE SYNDROME, TELOMERE-RELATED, 4. Identifiers: Orphanet 2032, MedGen C4225347, MONDO:0014612, OMIM 616371.

Submission:

Labcorp Genetics (formerly Invitae), Labcorp
Classification: Uncertain significance for Dyskeratosis congenita, autosomal recessive 6; Pulmonary fibrosis and/or bone marrow failure, Telomere-related, 4. Last evaluated: 2024-10-07. Review status: criteria provided, single submitter. Criteria: Invitae Variant Classification Sherloc (09022015). Collection method: clinical testing. Allele origin: germline.
Comment: This sequence change replaces glutamic acid, which is acidic and polar, with glycine, which is neutral and non-polar, at codon 20 of the PARN protein (p.Glu20Gly). This variant is not present in population databases (gnomAD no frequency). This variant has not been reported in the literature in individuals affected with PARN-related conditions. ClinVar contains an entry for this variant (Variation ID: 1362895). Invitae Evidence Modeling of protein sequence and biophysical properties (such as structural, functional, and spatial information, amino acid conservation, physicochemical variation, residue mobility, and thermodynamic stability) indicates that this missense variant is not expected to disrupt PARN protein function with a negative predictive value of 80%. In summary, the available evidence is currently insufficient to determine the role of this variant in disease. Therefore, it has been classified as a Variant of Uncertain Significance.

NM_002582.4(PARN):c.59A>G (p.Glu20Gly)

Gene: PARN (poly(A)-specific ribonuclease; minus strand). Cytogenetic location: 16p13.12.
Variant type: single nucleotide variant.
Coding change: c.59A>G on transcript NM_002582.4 (MANE Select); coding-DNA position 59, A replaced by G.
Protein change: p.Glu20Gly; replaces glutamic acid 20 with glycine.
Molecular consequence: missense variant. On other transcripts: 5 prime UTR variant (1).
Genome position (GRCh38, 1-based): chr16:14,629,635, T>C on the plus strand (A>G on the coding strand, the complement: PARN is on the minus strand). VCF-style: chr16-14629635-T-C. GRCh37 (hg19) VCF-style: chr16-14723492-T-C.
Other names: c.-125A>G (NM_001134477.3); c.59A>G, p.Glu20Gly (NM_001242992.2); short protein forms E20G.
Identifiers: ClinVar variation 1362895 (VCV001362895.8), dbSNP rs2151826832, ClinGen allele CA394818322.